The following is an entry in ClinVar:

NM_000285.4(PEPD):c.330-2A>G

Gene: PEPD (peptidase D; minus strand). Cytogenetic location: 19q13.11.
Variant type: single nucleotide variant.
Coding change: c.330-2A>G on transcript NM_000285.4 (MANE Select); the canonical splice acceptor site of the intron before coding-DNA position 330, A replaced by G.
Molecular consequence: splice acceptor variant. On other transcripts: intron variant (1).
Genome position (GRCh38, 1-based): chr19:33,501,003, T>C on the plus strand (A>G on the coding strand, the complement: PEPD is on the minus strand). VCF-style: chr19-33501003-T-C. GRCh37 (hg19) VCF-style: chr19-33991909-T-C.
Other names: c.202-7666A>G (NM_001166057.2); c.330-2A>G (NM_001166056.2).
Identifiers: ClinVar variation 1496736 (VCV001496736.8), dbSNP rs2145335406, ClinGen allele CA405231249.

ClinVar aggregate classification (germline): Likely pathogenic (1 of 4 stars; one submission).

Allele frequency attached by ClinVar (database versions not stated): gnomAD exomes 0.00001.
gnomAD v4.1: 4 of 1,582,400 alleles (0.00025%); highest among the groups gnomAD compares: Non-Finnish European, 0.00035%; no homozygotes.

Submission:

Labcorp Genetics (formerly Invitae), Labcorp
Classification: Likely pathogenic. Last evaluated: 2021-05-07. Review status: criteria provided, single submitter. Criteria: Invitae Variant Classification Sherloc (09022015). Collection method: clinical testing. Allele origin: germline.
Comment: This sequence change affects an acceptor splice site in intron 3 of the PEPD gene. It is expected to disrupt RNA splicing. Variants that disrupt the donor or acceptor splice site typically lead to a loss of protein function (PMID: 16199547), and loss-of-function variants in PEPD are known to be pathogenic (PMID: 8198124, 10721675, 12384772, 17142620). This variant is not present in population databases (ExAC no frequency). This variant has not been reported in the literature in individuals with PEPD-related conditions. Algorithms developed to predict the effect of sequence changes on RNA splicing suggest that this variant may disrupt the consensus splice site, but this prediction has not been confirmed by published transcriptional studies. In summary, the currently available evidence indicates that the variant is pathogenic, but additional data are needed to prove that conclusively. Therefore, this variant has been classified as Likely Pathogenic.

Literature cited by the submitters: PubMed 16199547; PubMed 8198124; PubMed 10721675; PubMed 12384772; PubMed 17142620.